The following is an entry in ClinVar:

NM_178822.5(IGSF10):c.1385G>A (p.Arg462Lys)

Gene: IGSF10 (immunoglobulin superfamily member 10; minus strand). Cytogenetic location: 3q25.1.
Variant type: single nucleotide variant.
Coding change: c.1385G>A on transcript NM_178822.5 (MANE Select); coding-DNA position 1385, G replaced by A.
Protein change: p.Arg462Lys; replaces arginine 462 with lysine.
Molecular consequence: missense variant.
Genome position (GRCh38, 1-based): chr3:151,448,596, C>T on the plus strand (G>A on the coding strand, the complement: IGSF10 is on the minus strand). VCF-style: chr3-151448596-C-T. GRCh37 (hg19) VCF-style: chr3-151166384-C-T.
Other names: c.1385G>A, p.Arg462Lys (NM_001385060.1, NM_001385061.1, NM_001385062.1 and 1 more transcripts); short protein forms R462K.
Identifiers: ClinVar variation 3003487 (VCV003003487.3), dbSNP rs1002226539, ClinGen allele CA85738304.

ClinVar aggregate classification (germline): Uncertain significance (1 of 4 stars; one submission).

Allele frequency attached by ClinVar (database versions not stated): TOPMed 0.00001; gnomAD 0.00002.
gnomAD v4.1: 3 of 1,613,970 alleles (0.00019%); highest among the groups gnomAD compares: African/African-American, 0.0027%; no homozygotes.

Submission:

Labcorp Genetics (formerly Invitae), Labcorp
Classification: Uncertain significance. Last evaluated: 2023-05-20. Review status: criteria provided, single submitter. Criteria: Invitae Variant Classification Sherloc (09022015). Collection method: clinical testing. Allele origin: germline.
Comment: This sequence change replaces arginine, which is basic and polar, with lysine, which is basic and polar, at codon 462 of the IGSF10 protein (p.Arg462Lys). This variant has not been reported in the literature in individuals affected with IGSF10-related conditions. This variant is not present in population databases (gnomAD no frequency). In summary, the available evidence is currently insufficient to determine the role of this variant in disease. Therefore, it has been classified as a Variant of Uncertain Significance. Algorithms developed to predict the effect of missense changes on protein structure and function output the following: SIFT: "Not Available"; PolyPhen-2: "Benign"; Align-GVGD: "Not Available". The lysine amino acid residue is found in multiple mammalian species, which suggests that this missense change does not adversely affect protein function.